The following is an entry in ClinVar:

ClinVar aggregate classification (germline): Benign. Review status: criteria provided, multiple submitters, no conflicts (2 of 4 stars). 4 submissions from 4 submitters: Benign (4). Last evaluated 2025-12-23.

Conditions:
Cataract 12 multiple types. Identifiers: Orphanet 91492, MedGen C3808115, MONDO:0012701, OMIM 611597.

Allele frequency attached by ClinVar (database versions not stated): gnomAD exomes 0.00108 and 0.00250; ExAC 0.00298; 1000 Genomes Project 0.00938; gnomAD 0.00974 and 0.01054; 1000 Genomes Project 30x 0.01031; TOPMed 0.01097; ESP Exome Variant Server 0.01130.
gnomAD v4.1: 3,134 of 1,614,020 alleles (0.19%); highest among the groups gnomAD compares: African/African-American, 3.5%; 48 homozygotes.

Submissions (4):

Labcorp Genetics (formerly Invitae), Labcorp
Classification: Benign for Cataract 12 multiple types. Last evaluated: 2025-12-23. Review status: criteria provided, single submitter. Criteria: Invitae Variant Classification Sherloc (09022015). Collection method: clinical testing. Allele origin: germline.

GeneDx
Classification: Benign. Last evaluated: 2020-08-13. Review status: criteria provided, single submitter. Criteria: GeneDx Variant Classification Process June 2021. Collection method: clinical testing. Allele origin: germline. Affected: yes.

Illumina Laboratory Services, Illumina
Classification: Benign for Cataract 12 multiple types. Last evaluated: 2018-01-13. Review status: criteria provided, single submitter. Criteria: ICSL Variant Classification Criteria 13 December 2019. Collection method: clinical testing. Allele origin: germline.
Comment: This variant was observed in the ICSL laboratory as part of a predisposition screen in an ostensibly healthy population. It had not been previously curated by ICSL or reported in the Human Gene Mutation Database (HGMD: prior to June 1st, 2018), and was therefore a candidate for classification through an automated scoring system. Utilizing variant allele frequency, disease prevalence and penetrance estimates, and inheritance mode, an automated score was calculated to assess if this variant is too frequent to cause the disease. Based on the score and internal cut-off values, a variant classified as benign is not then subjected to further curation. The score for this variant resulted in a classification of benign for this disease.

Breakthrough Genomics
Classification: Benign. Review status: criteria provided, single submitter. Criteria: ACMG Guidelines, 2015. Collection method: not provided. Allele origin: germline. Inheritance: Autosomal dominant inheritance. Affected: yes.

NM_003571.4(BFSP2):c.369C>T (p.His123=)

Gene: BFSP2 (beaded filament structural protein 2; plus strand). Cytogenetic location: 3q22.1.
Variant type: single nucleotide variant.
Coding change: c.369C>T on transcript NM_003571.4 (MANE Select); coding-DNA position 369, C replaced by T.
Protein change: p.His123=; no amino-acid change (histidine 123 retained).
Molecular consequence: synonymous variant.
Genome position (GRCh38, 1-based): chr3:133,400,452, C>T. VCF-style: chr3-133400452-C-T. GRCh37 (hg19) VCF-style: chr3-133119296-C-T.
Identifiers: ClinVar variation 343404 (VCV000343404.17), dbSNP rs34163197, ClinGen allele CA2623235.